The following is an entry in ClinVar:

ClinVar aggregate classification (germline): Uncertain significance (1 of 4 stars; one submission).

gnomAD v4.1: 2 of 1,600,698 alleles (0.00012%); highest among the groups gnomAD compares: Admixed American, 0.0033%; no homozygotes.

Submission:

CeGaT Center for Human Genetics Tuebingen
Classification: Uncertain significance. Last evaluated: 2026-07-01. Review status: criteria provided, single submitter. Criteria: CeGaT Center For Human Genetics Tuebingen Variant Classification Criteria Version 2. Collection method: clinical testing. Allele origin: germline. Affected: yes. Observed: 1 variant allele.
Comment: DOT1L: PM2, BP4

NM_032482.3(DOT1L):c.3968C>A (p.Ala1323Asp)

Gene: DOT1L (DOT1 like histone lysine methyltransferase; plus strand). Cytogenetic location: 19p13.3.
Variant type: single nucleotide variant.
Coding change: c.3968C>A on transcript NM_032482.3 (MANE Select); coding-DNA position 3968, C replaced by A.
Protein change: p.Ala1323Asp; replaces alanine 1323 with aspartic acid.
Molecular consequence: missense variant.
Genome position (GRCh38, 1-based): chr19:2,226,489, C>A. VCF-style: chr19-2226489-C-A. GRCh37 (hg19) VCF-style: chr19-2226488-C-A.
Other names: c.3968C>A, p.Ala1323Asp (NM_001411141.1); short protein forms A1323D.
Identifiers: ClinVar variation 5040051 (VCV005040051.1).